The following is an entry in ClinVar:

ClinVar aggregate classification (germline): Benign/Likely benign. Review status: criteria provided, multiple submitters, no conflicts (2 of 4 stars). 6 submissions from 6 submitters: Benign (2); Likely benign (4). Last evaluated 2025-10-26.

Conditions:
Developmental and epileptic encephalopathy, 18 (DEE18). Also called: Early infantile epileptic encephalopathy 18. Identifiers: Orphanet 369894, MedGen C3809624, MONDO:0014201, OMIM 615476.
Inborn genetic diseases. Identifiers: MedGen C0950123, MeSH D030342.

Allele frequency attached by ClinVar (database versions not stated): gnomAD below 0.00001 and 0.00013; TOPMed 0.00004; gnomAD exomes 0.00029 and 0.00073; ExAC 0.00085; 1000 Genomes Project 30x 0.00094; 1000 Genomes Project 0.00100.
gnomAD v4.1: 428 of 1,598,268 alleles (0.027%); highest among the groups gnomAD compares: South Asian, 0.45%; 5 homozygotes.

Submissions (6):

Labcorp Genetics (formerly Invitae), Labcorp
Classification: Benign. Last evaluated: 2025-10-26. Review status: criteria provided, single submitter. Criteria: Invitae Variant Classification Sherloc (09022015). Collection method: clinical testing. Allele origin: germline.

Blueprint Genetics
Classification: Likely benign. Last evaluated: 2024-11-21. Review status: criteria provided, single submitter. Criteria: ACMG Guidelines, 2015. Collection method: clinical testing. Allele origin: germline.

CeGaT Center for Human Genetics Tuebingen
Classification: Likely benign. Last evaluated: 2024-07-01. Review status: criteria provided, single submitter. Criteria: CeGaT Center For Human Genetics Tuebingen Variant Classification Criteria Version 2. Collection method: clinical testing. Allele origin: germline. Affected: yes. Observed: 1 variant allele.
Comment: SZT2: BP4, BP7

Genome-Nilou Lab
Classification: Benign for Developmental and epileptic encephalopathy, 18. Last evaluated: 2023-04-11. Review status: criteria provided, single submitter. Criteria: ACMG Guidelines, 2015. Collection method: clinical testing. Allele origin: germline. Affected: no.

GeneDx
Classification: Likely benign. Last evaluated: 2018-08-14. Review status: criteria provided, single submitter. Criteria: GeneDx Variant Classification Process June 2021. Collection method: clinical testing. Allele origin: germline. Affected: yes.

Ambry Genetics
Classification: Likely benign for Inborn genetic diseases. Last evaluated: 2016-10-04. Review status: criteria provided, single submitter. Criteria: Ambry Variant Classification Scheme 2023. Collection method: clinical testing. Allele origin: germline.

NM_001365999.1(SZT2):c.675G>A (p.Lys225=)

Gene: SZT2 (SZT2 subunit of KICSTOR complex; plus strand). Cytogenetic location: 1p34.2.
Variant type: single nucleotide variant.
Coding change: c.675G>A on transcript NM_001365999.1 (MANE Select); coding-DNA position 675, G replaced by A.
Protein change: p.Lys225=; no amino-acid change (lysine 225 retained).
Molecular consequence: synonymous variant.
Genome position (GRCh38, 1-based): chr1:43,416,004, G>A. VCF-style: chr1-43416004-G-A. GRCh37 (hg19) VCF-style: chr1-43881675-G-A.
Other names: c.675G>A, p.Lys225= (NM_015284.4).
Identifiers: ClinVar variation 589675 (VCV000589675.73), dbSNP rs564963914, ClinGen allele CA808247.